The following is an entry in ClinVar:

NM_173689.7(CRB2):c.2435G>A (p.Ser812Asn)

Gene: CRB2 (crumbs cell polarity complex component 2; plus strand). Cytogenetic location: 9q33.3.
Variant type: single nucleotide variant.
Coding change: c.2435G>A on transcript NM_173689.7 (MANE Select); coding-DNA position 2435, G replaced by A.
Protein change: p.Ser812Asn; replaces serine 812 with asparagine.
Molecular consequence: missense variant. On other transcripts: non-coding transcript variant (1).
Genome position (GRCh38, 1-based): chr9:123,371,577, G>A. VCF-style: chr9-123371577-G-A. GRCh37 (hg19) VCF-style: chr9-126133856-G-A.
Other names: c.2435G>A (NM_173689.5); short protein forms S812N.
Identifiers: ClinVar variation 3346360 (VCV003346360.2).
Genomic context (GRCh38, chr9:123,371,577, plus strand): 5'-AGCTCGGCGGCAGGCAGTCCTGGAACCTCACTGCGGGCTGCGTCTCCGAGGACATGTGCA[G>A]TGTAAGTGTCTGGTGGCGGTGGTGGTGGTGGGGTGGGGAGTCCTTTTCCCAGGATCTGTC-3'
Protein context (NP_775960.4, residues 802-822): TAGCVSEDMC[Ser812Asn]PDPCFNGGTC

ClinVar aggregate classification (germline): Uncertain significance. Review status: criteria provided, single submitter (1 of 4 stars). 2 submissions from 2 submitters: Uncertain significance (1). 1 of the submissions does not count toward it. Last evaluated 2025-09-28.

Conditions:
CRB2-related disorder. Also called: CRB2-related disorders; CRB2-related condition.
Inborn genetic diseases. Identifiers: MedGen C0950123, MeSH D030342.

Submissions (2):

Ambry Genetics
Classification: Uncertain significance for Inborn genetic diseases. Last evaluated: 2025-09-28. Review status: criteria provided, single submitter. Criteria: Ambry Variant Classification Scheme 2023. Collection method: clinical testing. Allele origin: germline.

PreventionGenetics, part of Exact Sciences
Classification: Uncertain significance for CRB2-related condition. Last evaluated: 2024-03-29. Review status: no assertion criteria provided. Collection method: clinical testing. Allele origin: germline. Not counted in ClinVar's aggregate classification.
Comment: The CRB2 c.2435G>A variant is predicted to result in the amino acid substitution p.Ser812Asn. To our knowledge, this variant has not been reported in the literature or in a large population database, indicating this variant is rare. At this time, the clinical significance of this variant is uncertain due to the absence of conclusive functional and genetic evidence.